The following is an entry in ClinVar:

ClinVar aggregate classification (germline): Pathogenic (1 of 4 stars; one submission).

Conditions:
Joubert syndrome. Also called: CEREBELLOPARENCHYMAL DISORDER IV; JOUBERT-BOLTSHAUSER SYNDROME; Familial aplasia of the vermis. Identifiers: Orphanet 475, MedGen C5979921, MONDO:0018772.
Nephronophthisis. Also called: Juvenile Nephronophthisis. Identifiers: Orphanet 655, MedGen C0687120, MONDO:0019005, HP:0000090.
Meckel-Gruber syndrome. Also called: DYSENCEPHALIA SPLANCHNOCYSTICA; GRUBER SYNDROME; Dysencephalia splachnocystica. Identifiers: Orphanet 564, MedGen C0265215, MONDO:0018921.

Submission:

Labcorp Genetics (formerly Invitae), Labcorp
Classification: Pathogenic for Joubert syndrome; Meckel-Gruber syndrome; Nephronophthisis. Last evaluated: 2023-11-19. Review status: criteria provided, single submitter. Criteria: Invitae Variant Classification Sherloc (09022015). Collection method: clinical testing. Allele origin: unknown.
Comment: This variant results in the deletion of exons 31-54 and part of exon 30 (c.3525_*233347del) of the CEP290 gene. While this deletion is not anticipated to lead to nonsense mediated decay, it is expected to alter mRNA translation or result in a truncated protein product. This variant has not been reported in the literature in individuals affected with CEP290-related conditions. The region of the CEP290 gene that includes exon(s) 42-54 has been determined to be clinically significant (PMID: 19764032). Therefore, deletions that encompass that region are likely to be disease-causing. For these reasons, this variant has been classified as Pathogenic.

Literature cited by the submitters: PubMed 19764032.

NC_000012.11:g.(?_88209614)_(88484553_?)del

Genes: CEP290 (centrosomal protein 290; minus strand), RLIG1 (RNA 5'-phosphate and 3'-OH ligase 1; plus strand), ZC3H11D (zinc finger CCCH-type containing 11D; minus strand). Cytogenetic location: 12q21.32.
Variant type: Deletion.
Identifiers: ClinVar variation 3244278 (VCV003244278.1).